The following is an entry in ClinVar:

NM_033118.4(MYLK2):c.557C>T (p.Thr186Met)

Gene: MYLK2 (myosin light chain kinase 2; plus strand). Cytogenetic location: 20q11.21.
Variant type: single nucleotide variant.
Coding change: c.557C>T on transcript NM_033118.4 (MANE Select); coding-DNA position 557, C replaced by T.
Protein change: p.Thr186Met; replaces threonine 186 with methionine.
Molecular consequence: missense variant.
Genome position (GRCh38, 1-based): chr20:31,821,522, C>T. VCF-style: chr20-31821522-C-T. GRCh37 (hg19) VCF-style: chr20-30409325-C-T.
Other names: short protein forms T186M.
Identifiers: ClinVar variation 178986 (VCV000178986.18), dbSNP rs727504591, ClinGen allele CA183436.

ClinVar aggregate classification (germline): Conflicting classifications of pathogenicity. Review status: criteria provided, conflicting classifications (1 of 4 stars). 5 submissions from 5 submitters: Uncertain significance (4); Likely benign (1). Last evaluated 2025-04-26.

Conditions:
Hypertrophic cardiomyopathy 1 (CMH1). Also called: MYH7-Related Familial Hypertrophic Cardiomyopathy; Familial hypertrophic cardiomyopathy 1. Identifiers: MedGen C3495498, MONDO:0008647, OMIM 192600.

Allele frequency attached by ClinVar (database versions not stated): gnomAD 0.00004; ExAC 0.00005; gnomAD exomes 0.00005 and 0.00010; TOPMed 0.00007.

Submissions (5):

Labcorp Genetics (formerly Invitae), Labcorp
Classification: Uncertain significance for Hypertrophic cardiomyopathy 1. Last evaluated: 2025-04-26. Review status: criteria provided, single submitter. Criteria: Invitae Variant Classification Sherloc (09022015). Collection method: clinical testing. Allele origin: germline.
Comment: This sequence change replaces threonine, which is neutral and polar, with methionine, which is neutral and non-polar, at codon 186 of the MYLK2 protein (p.Thr186Met). This variant is present in population databases (rs727504591, gnomAD 0.06%), and has an allele count higher than expected for a pathogenic variant. This variant has not been reported in the literature in individuals affected with MYLK2-related conditions. ClinVar contains an entry for this variant (Variation ID: 178986). Invitae Evidence Modeling of protein sequence and biophysical properties (such as structural, functional, and spatial information, amino acid conservation, physicochemical variation, residue mobility, and thermodynamic stability) indicates that this missense variant is not expected to disrupt MYLK2 protein function with a negative predictive value of 80%. In summary, the available evidence is currently insufficient to determine the role of this variant in disease. Therefore, it has been classified as a Variant of Uncertain Significance.

Ambry Genetics
Classification: Uncertain significance. Last evaluated: 2024-11-29. Review status: criteria provided, single submitter. Criteria: Ambry Variant Classification Scheme 2023. Collection method: clinical testing. Allele origin: germline.

GeneDx
Classification: Uncertain significance. Last evaluated: 2022-10-06. Review status: criteria provided, single submitter. Criteria: GeneDx Variant Classification Process June 2021. Collection method: clinical testing. Allele origin: germline. Affected: yes.
Comment: Has not been previously published as pathogenic or benign to our knowledge; In silico analysis supports that this missense variant does not alter protein structure/function

Women's Health and Genetics/Laboratory Corporation of America, LabCorp
Classification: Likely benign. Last evaluated: 2020-08-10. Review status: criteria provided, single submitter. Criteria: LabCorp Variant Classification Summary - May 2015. Collection method: clinical testing. Allele origin: germline.
Comment: Variant summary: MYLK2 c.557C>T (p.Thr186Met) results in a non-conservative amino acid change in the encoded protein sequence. Four of five in-silico tools predict a benign effect of the variant on protein function. The variant allele was found at a frequency of 0.0001 in 251046 control chromosomes (gnomAD). The observed variant frequency is approximately 4-fold of the estimated maximal expected allele frequency for a pathogenic variant in MYLK2 causing Hypertrophic Cardiomyopathy phenotype (2.5e-05), strongly suggesting that the variant is benign. To our knowledge, no occurrence of c.557C>T in individuals affected with Hypertrophic Cardiomyopathy and no experimental evidence demonstrating its impact on protein function have been reported. No clinical diagnostic laboratories have submitted clinical-significance assessments for this variant to ClinVar after 2014. Based on the evidence outlined above, the variant was classified as likely benign.

Laboratory for Molecular Medicine, Mass General Brigham Personalized Medicine
Classification: Uncertain significance. Last evaluated: 2013-06-05. Review status: criteria provided, single submitter. Criteria: LMM Criteria. Collection method: clinical testing. Allele origin: germline. Observed: 1 variant allele.
Comment: Variant classified as Uncertain Significance - Favor Benign. The Thr186Met varia nt in MYLK2 has not been reported in individuals with cardiomyopathy or in large population studies. Threonine (Thr) at position 186 is not well conserved in ev olution and several mammals (bushbaby, megabat and sloth) have a methionine (Met ) at this position, suggesting that this change may be tolerated. Additional com putational analyses (AlignGVGD, PolyPhen2, and SIFT) do not suggest a high likel ihood of impact to the protein. In summary, the lack of conservation and presenc e of this variant in other species suggests that this variant may be benign, but additional studies are needed to fully assess the clinical significance of this variant.